The following is an entry in ClinVar:

NM_198252.3(GSN):c.-9-25T>C

Gene: GSN (gelsolin; plus strand). Cytogenetic location: 9q33.2.
Variant type: single nucleotide variant.
Coding change: c.-9-25T>C on transcript NM_198252.3 (MANE Select); 25 bases into the intron before 9 bases upstream of the start codon, T replaced by C.
Molecular consequence: intron variant. On other transcripts: 5 prime UTR variant (1), synonymous variant (1).
Genome position (GRCh38, 1-based): chr9:121,301,938, T>C. VCF-style: chr9-121301938-T-C. GRCh37 (hg19) VCF-style: chr9-124064216-T-C.
Other names: c.-34T>C (NM_001353055.2); c.39T>C, p.Leu13= (NM_001353076.2); c.-9-25T>C (NM_001353054.1, NM_001353053.1, NM_001353060.2 and 5 more transcripts); c.25-25T>C (NM_001353064.2, NM_001353066.2, NM_001353073.2 and 13 more transcripts); c.-1-33T>C (NM_001353058.2, NM_001353059.2, NM_001353056.2 and 1 more transcripts); c.100-25T>C (NM_001127663.2); c.-458-973T>C (NM_001353078.2); c.43-25T>C (NM_001258029.2); and 2 more.
Identifiers: ClinVar variation 4984298 (VCV004984298.1).
Genomic context (GRCh38, chr9:121,301,938, plus strand): 5'-GTGCTAGAAACCGCCCTCCCTCATGCCTGGGGTCTCTCCCTGCCAGGACCCTGCCCCGCT[T>C]AGGCTCTGCCCTGTCTCATCCCAGCCCAACAGCATGGTGGTGGAACACCCCGAGTTCCTC-3'

ClinVar aggregate classification (germline): Likely benign (1 of 4 stars; one submission).

Conditions:
GSN-related disorder. Also called: GSN-related condition.

gnomAD v4.1: 33 of 1,613,776 alleles (0.002%); highest among the groups gnomAD compares: Non-Finnish European, 0.0027%; no homozygotes.

Submission:

PreventionGenetics, part of Exact Sciences
Classification: Likely benign for GSN-related condition. Last evaluated: 2026-04-28. Review status: criteria provided, single submitter. Criteria: ACMG Guidelines, 2015. Collection method: clinical testing. Allele origin: germline.
Comment: This variant is classified as likely benign based on ACMG/AMP sequence variant interpretation guidelines (Richards et al. 2015 PMID: 25741868, with internal and published modifications).